The following is an entry in ClinVar:

NM_001354604.2(MITF):c.1093C>A (p.Gln365Lys)

Gene: MITF (melanocyte inducing transcription factor; plus strand). Cytogenetic location: 3p13.
Variant type: single nucleotide variant.
Coding change: c.1093C>A on transcript NM_001354604.2 (MANE Select); coding-DNA position 1093, C replaced by A.
Protein change: p.Gln365Lys; replaces glutamine 365 with lysine.
Molecular consequence: missense variant.
Genome position (GRCh38, 1-based): chr3:69,959,334, C>A. VCF-style: chr3-69959334-C-A. GRCh37 (hg19) VCF-style: chr3-70008485-C-A.
Other names: c.772C>A, p.Gln258Lys (NM_000248.4); c.919C>A, p.Gln307Lys (NM_001184967.2, NM_001354608.2); c.1090C>A, p.Gln364Lys (NM_001354605.2); c.1072C>A, p.Gln358Lys (NM_001354606.2, NM_006722.3); c.1024C>A, p.Gln342Lys (NM_001354607.2); c.754C>A, p.Gln252Lys (NM_198158.3); c.1075C>A, p.Gln359Lys (NM_198159.3); c.1027C>A, p.Gln343Lys (NM_198177.3); and 1 more; short protein forms Q252K, Q343K, Q358K, Q307K, Q196K, Q258K, Q342K, Q365K.
Identifiers: ClinVar variation 3396337 (VCV003396337.1).
Genomic context (GRCh38, chr3:69,959,334, plus strand): 5'-GACATGCGCTGGAACAAGGGAACCATCTTAAAAGCATCCGTGGACTATATCCGAAAGTTG[C>A]AACGAGAACAGCAACGCGCAAAAGAACTTGAAAACCGACAGAAGAAACTGGAGCACGCCA-3'
Protein context (NP_001341533.1, residues 355-375): KASVDYIRKL[Gln365Lys]REQQRAKELE

ClinVar aggregate classification (germline): Uncertain significance (1 of 4 stars; one submission).

Conditions:
Hereditary cancer-predisposing syndrome. Also called: Hereditary Cancer Syndrome; Tumor predisposition; Hereditary neoplastic syndrome; Neoplastic Syndromes, Hereditary. Identifiers: Orphanet 140162, MedGen C0027672, MeSH D009386, MONDO:0015356.

Submission:

Ambry Genetics
Classification: Uncertain significance for Hereditary cancer-predisposing syndrome. Last evaluated: 2024-11-23. Review status: criteria provided, single submitter. Criteria: Ambry Variant Classification Scheme 2023. Collection method: clinical testing. Allele origin: germline.
Comment: The p.Q258K variant (also known as c.772C>A), located in coding exon 8 of the MITF gene, results from a C to A substitution at nucleotide position 772. The glutamine at codon 258 is replaced by lysine, an amino acid with similar properties. This amino acid position is conserved. In addition, this alteration is predicted to be deleterious by in silico analysis. Based on the available evidence, the clinical significance of this variant remains unclear.